The following is an entry in ClinVar:

NM_004329.3(BMPR1A):c.94G>C (p.Gly32Arg)

Gene: BMPR1A (bone morphogenetic protein receptor type 1A; plus strand). Cytogenetic location: 10q23.2.
Variant type: single nucleotide variant.
Coding change: c.94G>C on transcript NM_004329.3 (MANE Select); coding-DNA position 94, G replaced by C.
Protein change: p.Gly32Arg; replaces glycine 32 with arginine.
Molecular consequence: missense variant.
Genome position (GRCh38, 1-based): chr10:86,890,088, G>C. VCF-style: chr10-86890088-G-C. GRCh37 (hg19) VCF-style: chr10-88649845-G-C.
Other names: short protein forms G32R.
Identifiers: ClinVar variation 411643 (VCV000411643.67), dbSNP rs755462552, ClinGen allele CA5585430.

ClinVar aggregate classification (germline): Conflicting classifications of pathogenicity. Review status: criteria provided, conflicting classifications (1 of 4 stars). 10 submissions from 10 submitters: Uncertain significance (9); Benign (1). Last evaluated 2026-02-01.

Conditions:
Juvenile polyposis syndrome (JPS). Identifiers: Orphanet 2929, MedGen C0345893, MONDO:0017380, OMIM 174900.
Polyposis syndrome, hereditary mixed, 2. Identifiers: Orphanet 157794, MedGen C1864730, MONDO:0012405, OMIM 610069.
BMPR1A-related disorder. Also called: BMPR1A-related condition.
Hereditary cancer-predisposing syndrome. Also called: Tumor predisposition; Hereditary neoplastic syndrome; Hereditary Cancer Syndrome; Neoplastic Syndromes, Hereditary. Identifiers: Orphanet 140162, MedGen C0027672, MeSH D009386, MONDO:0015356.

Allele frequency attached by ClinVar (database versions not stated): gnomAD exomes 0.00001; ExAC 0.00002; gnomAD 0.00002; TOPMed 0.00002.

Submissions (10):

Labcorp Genetics (formerly Invitae), Labcorp
Classification: Uncertain significance for Juvenile polyposis syndrome. Last evaluated: 2026-02-01. Review status: criteria provided, single submitter. Criteria: Invitae Variant Classification Sherloc (09022015). Collection method: clinical testing. Allele origin: germline.
Comment: This sequence change replaces glycine, which is neutral and non-polar, with arginine, which is basic and polar, at codon 32 of the BMPR1A protein (p.Gly32Arg). This variant is present in population databases (rs755462552, gnomAD 0.002%). This variant has not been reported in the literature in individuals affected with BMPR1A-related conditions. ClinVar contains an entry for this variant (Variation ID: 411643). Invitae Evidence Modeling incorporating data from in vitro experimental studies (internal data) indicates that this missense variant is not expected to disrupt BMPR1A function with a negative predictive value of 95%. In summary, the available evidence is currently insufficient to determine the role of this variant in disease. Therefore, it has been classified as a Variant of Uncertain Significance.

PreventionGenetics, part of Exact Sciences
Classification: Uncertain significance for BMPR1A-related condition. Last evaluated: 2025-12-17. Review status: criteria provided, single submitter. Criteria: ACMG Guidelines, 2015. Collection method: clinical testing. Allele origin: germline.
Comment: The BMPR1A c.94G>C variant is predicted to result in the amino acid substitution p.Gly32Arg. To our knowledge, this variant has not been reported in the literature. In the gnomAD public population database this variant has been reported in up to ~0.003% of alleles in a subpopulation (gnomAD) and is interpreted as uncertain in ClinVar (Variation ID: 411643). At this time, the clinical significance of this variant is uncertain due to the absence of conclusive functional and genetic evidence.

CeGaT Center for Human Genetics Tuebingen
Classification: Uncertain significance. Last evaluated: 2025-06-01. Review status: criteria provided, single submitter. Criteria: CeGaT Center For Human Genetics Tuebingen Variant Classification Criteria Version 2. Collection method: clinical testing. Allele origin: germline. Affected: yes. Observed: 2 variant alleles.

GeneDx
Classification: Uncertain significance. Last evaluated: 2025-01-16. Review status: criteria provided, single submitter. Criteria: GeneDx Variant Classification Process June 2021. Collection method: clinical testing. Allele origin: germline. Affected: yes.
Comment: Not observed at significant frequency in large population cohorts (gnomAD); In silico analysis indicates that this missense variant does not alter protein structure/function; Has not been previously published as pathogenic or benign to our knowledge

Quest Diagnostics Nichols Institute San Juan Capistrano
Classification: Uncertain significance. Last evaluated: 2024-10-18. Review status: criteria provided, single submitter. Criteria: Quest Diagnostics criteria. Collection method: clinical testing. Allele origin: unknown.
Comment: The BMPR1A c.94G>C (p.Gly32Arg) variant has not been reported in individuals with BMPR1A-related conditions in the published literature. The frequency of this variant in the general population, 0.000026 (3/113630 chromosomes (Genome Aggregation Database)), is uninformative in the assessment of its pathogenicity. Analysis of this variant using bioinformatics tools for the prediction of the effect of amino acid changes on protein structure and function yielded predictions that this variant is benign. Based on the available information, we are unable to determine the clinical significance of this variant.

All of Us Research Program, National Institutes of Health
Classification: Uncertain significance for Juvenile polyposis syndrome. Last evaluated: 2024-04-16. Review status: criteria provided, single submitter. Criteria: ACMG Guidelines, 2015. Collection method: clinical testing. Allele origin: germline. Inheritance: Autosomal dominant inheritance. Observed: 7 variant alleles, 7 heterozygotes.
Comment: This missense variant replaces glycine with arginine at codon 32 of the BMPR1A protein. Computational prediction suggests that this variant may not impact protein structure and function (internally defined REVEL score threshold <= 0.5, PMID: 27666373). To our knowledge, functional studies have not been reported for this variant. This variant has not been reported in individuals affected with BMPR1A-related disorders in the literature. This variant has been identified in 3/251330 chromosomes in the general population by the Genome Aggregation Database (gnomAD). The available evidence is insufficient to determine the role of this variant in disease conclusively. Therefore, this variant is classified as a Variant of Uncertain Significance.

This study involves interpretation of variants in research participants for the purpose of population health screening. Participant phenotype was not available at the time of variant classification. Additional details can be found in publication PMID: 35346344, PMCID: PMC8962531

Baylor Genetics
Classification: Uncertain significance for Polyposis syndrome, hereditary mixed, 2. Last evaluated: 2024-03-27. Review status: criteria provided, single submitter. Criteria: ACMG Guidelines, 2015. Collection method: clinical testing. Allele origin: unknown.

Color Diagnostics, LLC DBA Color Health
Classification: Uncertain significance for Hereditary cancer-predisposing syndrome. Last evaluated: 2024-03-06. Review status: criteria provided, single submitter. Criteria: ACMG Guidelines, 2015. Collection method: clinical testing. Allele origin: germline.
Comment: This missense variant replaces glycine with arginine at codon 32 of the BMPR1A protein. Computational prediction suggests that this variant may not impact protein structure and function (internally defined REVEL score threshold <= 0.5, PMID: 27666373). To our knowledge, functional studies have not been reported for this variant. This variant has not been reported in individuals affected with BMPR1A-related disorders in the literature. This variant has been identified in 3/251330 chromosomes in the general population by the Genome Aggregation Database (gnomAD). The available evidence is insufficient to determine the role of this variant in disease conclusively. Therefore, this variant is classified as a Variant of Uncertain Significance.

Ambry Genetics
Classification: Benign for Hereditary cancer-predisposing syndrome. Last evaluated: 2022-04-13. Review status: criteria provided, single submitter. Criteria: Ambry Variant Classification Scheme 2023. Collection method: clinical testing. Allele origin: germline.

Fulgent Genetics
Classification: Uncertain significance for Juvenile polyposis syndrome; Polyposis syndrome, hereditary mixed, 2. Last evaluated: 2022-04-09. Review status: criteria provided, single submitter. Criteria: ACMG Guidelines, 2015. Collection method: clinical testing. Allele origin: unknown.